The following is an entry in ClinVar:

NM_012062.5(DNM1L):c.*3del

Gene: DNM1L (dynamin 1L; plus strand). Cytogenetic location: 12p11.21.
Variant type: Deletion.
Coding change: c.*3del on transcript NM_012062.5 (MANE Select); 3 bases downstream of the stop codon, one base deleted (A; older notation c.*3delA).
Molecular consequence: 3 prime UTR variant.
Genome position (GRCh38, 1-based): chr12:32,743,413, A deleted. VCF-style (leftmost placement, unchanged base first): chr12-32743412-GA-G. GRCh37 (hg19) VCF-style: chr12-32896346-GA-G.
Other names: c.*3del (NM_001278463.2, NM_001278464.2, NM_001278465.2 and 4 more transcripts).
Identifiers: ClinVar variation 3050744 (VCV003050744.3), dbSNP rs570804733, ClinGen allele CA6507806.

ClinVar aggregate classification (germline): Benign. Review status: criteria provided, single submitter (1 of 4 stars). 2 submissions from 2 submitters: Benign (1). 1 of the submissions does not count toward it. Last evaluated 2024-06-26.

Conditions:
DNM1L-related disorder. Also called: DNM1L-related condition.

Allele frequency attached by ClinVar (database versions not stated): gnomAD exomes 0.00022; ExAC 0.00035; ESP Exome Variant Server 0.00184; 1000 Genomes Project 30x 0.00187; 1000 Genomes Project 0.00200; gnomAD 0.00227.

Submissions (2):

Blueprint Genetics
Classification: Benign. Last evaluated: 2024-06-26. Review status: criteria provided, single submitter. Criteria: ACMG Guidelines, 2015. Collection method: clinical testing. Allele origin: germline.

PreventionGenetics, part of Exact Sciences
Classification: Likely benign for DNM1L-related condition. Last evaluated: 2019-12-11. Review status: no assertion criteria provided. Collection method: clinical testing. Allele origin: germline. Not counted in ClinVar's aggregate classification.
Comment: This variant is classified as likely benign based on ACMG/AMP sequence variant interpretation guidelines (Richards et al. 2015 PMID: 25741868, with internal and published modifications).